The following is an entry in ClinVar:

NM_000489.6(ATRX):c.6489T>C (p.Tyr2163=)

Gene: ATRX (ATRX chromatin remodeler; minus strand). Cytogenetic location: Xq21.1.
Variant type: single nucleotide variant.
Coding change: c.6489T>C on transcript NM_000489.6 (MANE Select); coding-DNA position 6489, T replaced by C.
Protein change: p.Tyr2163=; no amino-acid change (tyrosine 2163 retained).
Molecular consequence: synonymous variant.
Genome position (GRCh38, 1-based): chrX:77,558,684, A>G on the plus strand (T>C on the coding strand, the complement: ATRX is on the minus strand). VCF-style: chrX-77558684-A-G. GRCh37 (hg19) VCF-style: chrX-76814155-A-G.
Other names: c.6489T>C (NM_000489.4); c.6375T>C, p.Tyr2125= (NM_138270.5).
Identifiers: ClinVar variation 588357 (VCV000588357.16), dbSNP rs782352246, ClinGen allele CA10457501.
Genomic context (GRCh38, chrX:77,558,684, plus strand): 5'-GTTTCACATAAACTTTCAATATGAAAAAGAGAATTATAAACCTACCTGAGCTAAGAACCT[A>G]TATACATAAACAGGCTTAGTTTGTCCAAAGCGATAAACTCTGAATATACTCTGGATGTCA-3'
Protein context (NP_000480.3, residues 2153-2173): RFGQTKPVYV[Tyr2163=]RFLAQGTMED

ClinVar aggregate classification (germline): Likely benign. Review status: criteria provided, multiple submitters, no conflicts (2 of 4 stars). 3 submissions from 3 submitters: Likely benign (2). 1 of the submissions does not count toward it. Last evaluated 2025-08-16.

Conditions:
ATRX-related disorder. Also called: ATRX-related condition.
Alpha thalassemia-X-linked intellectual disability syndrome (ATRX). Also called: ALPHA-THALASSEMIA/IMPAIRED INTELLECTUAL DEVELOPMENT SYNDROME, X-LINKED; ALPHA-THALASSEMIA/MENTAL RETARDATION SYNDROME, X-LINKED; ATR, NONDELETION TYPE; X-linked alpha-thalassemia-mental retardation syndrome; ATR-X syndrome; Alpha thalassemia mental retardation syndrome, nondeletion type, X-linked. Identifiers: Orphanet 847, MedGen C1845055, MONDO:0010519, OMIM 301040.
Inborn genetic diseases. Identifiers: MedGen C0950123, MeSH D030342.

Allele frequency attached by ClinVar (database versions not stated): gnomAD exomes 0.00001 and 0.00002; gnomAD 0.00002; ExAC 0.00001.
gnomAD v4.1: 26 of 1,197,992 alleles (0.0022%); highest among the groups gnomAD compares: East Asian, 0.071%; no homozygotes.

Submissions (3):

Labcorp Genetics (formerly Invitae), Labcorp
Classification: Likely benign for Alpha thalassemia-X-linked intellectual disability syndrome. Last evaluated: 2025-08-16. Review status: criteria provided, single submitter. Criteria: Invitae Variant Classification Sherloc (09022015). Collection method: clinical testing. Allele origin: germline.

Ambry Genetics
Classification: Likely benign for Inborn genetic diseases. Last evaluated: 2016-10-18. Review status: criteria provided, single submitter. Criteria: Ambry Variant Classification Scheme 2023. Collection method: clinical testing. Allele origin: germline.

PreventionGenetics, part of Exact Sciences
Classification: Likely benign for ATRX-related condition. Last evaluated: 2023-12-06. Review status: no assertion criteria provided. Collection method: clinical testing. Allele origin: germline. Not counted in ClinVar's aggregate classification.
Comment: This variant is classified as likely benign based on ACMG/AMP sequence variant interpretation guidelines (Richards et al. 2015 PMID: 25741868, with internal and published modifications).